The following is an entry in ClinVar:

NM_000548.5(TSC2):c.3177C>T (p.Thr1059=)

Gene: TSC2 (TSC complex subunit 2; plus strand). Cytogenetic location: 16p13.3.
Variant type: single nucleotide variant.
Coding change: c.3177C>T on transcript NM_000548.5 (MANE Select); coding-DNA position 3177, C replaced by T.
Protein change: p.Thr1059=; no amino-acid change (threonine 1059 retained).
Molecular consequence: synonymous variant.
Genome position (GRCh38, 1-based): chr16:2,079,321, C>T. VCF-style: chr16-2079321-C-T. GRCh37 (hg19) VCF-style: chr16-2129322-C-T.
Other names: c.3045C>T, p.Thr1015= (NM_001077183.3, NM_001370404.1); c.3177C>T, p.Thr1059= (NM_001114382.3); c.2937C>T, p.Thr979= (NM_001318827.2); c.2901C>T, p.Thr967= (NM_001318829.2); c.2445C>T, p.Thr815= (NM_001318831.2); c.3078C>T, p.Thr1026= (NM_001318832.2); c.3048C>T, p.Thr1016= (NM_001363528.2, NM_001370405.1, NM_021055.3); c.3177C>T (NM_000548.4).
Identifiers: ClinVar variation 486693 (VCV000486693.18), dbSNP rs1031918517, ClinGen allele CA276745549.
Genomic context (GRCh38, chr16:2,079,321, plus strand): 5'-CTCCCTGTCTTCTAGGTCTCCTGTGGGCGAGTTCCTCCTAGCGGGTGGCAGGACCAAAAC[C>T]TGGCTGGTTGGGAACAAGCTTGTCACTGTGACGACAAGCGTGGGAACCGGGACCCGGTCG-3'
Protein context (NP_000539.2, residues 1049-1069): EFLLAGGRTK[Thr1059=]WLVGNKLVTV

ClinVar aggregate classification (germline): Benign/Likely benign. Review status: criteria provided, multiple submitters, no conflicts (2 of 4 stars). 6 submissions from 6 submitters: Benign (2); Likely benign (4). Last evaluated 2025-05-28.

Conditions:
TSC2-related disorder. Also called: TSC2-related condition; TSC2-Related Disorders.
Hereditary cancer-predisposing syndrome. Also called: Neoplastic Syndromes, Hereditary; Hereditary Cancer Syndrome; Tumor predisposition; Hereditary neoplastic syndrome. Identifiers: Orphanet 140162, MedGen C0027672, MeSH D009386, MONDO:0015356.
Tuberous sclerosis 2 (TSC2). Identifiers: Orphanet 805, MedGen C1860707, MONDO:0013199, OMIM 613254.

Allele frequency attached by ClinVar (database versions not stated): gnomAD exomes below 0.00001; TOPMed 0.00001.
gnomAD v4.1: 1 of 1,613,092 alleles (0.000062%); no homozygotes.

Submissions (6):

Myriad Genetics, Inc.
Classification: Benign for Tuberous sclerosis 2. Last evaluated: 2025-05-28. Review status: criteria provided, single submitter. Criteria: Myriad Autosomal Dominant, Autosomal Recessive and X-Linked Classification Criteria (2023). Collection method: clinical testing. Allele origin: unknown.
Comment: This variant is considered benign. This variant is a silent/synonymous amino acid change and it is not expected to impact splicing.

Labcorp Genetics (formerly Invitae), Labcorp
Classification: Likely benign for Tuberous sclerosis 2. Last evaluated: 2025-05-22. Review status: criteria provided, single submitter. Criteria: Invitae Variant Classification Sherloc (09022015). Collection method: clinical testing. Allele origin: germline.

PreventionGenetics, part of Exact Sciences
Classification: Likely benign for TSC2-related condition. Last evaluated: 2025-02-05. Review status: criteria provided, single submitter. Criteria: ACMG Guidelines, 2015. Collection method: clinical testing. Allele origin: germline.
Comment: This variant is classified as likely benign based on ACMG/AMP sequence variant interpretation guidelines (Richards et al. 2015 PMID: 25741868, with internal and published modifications).

Sema4
Classification: Likely benign for Hereditary cancer-predisposing syndrome. Last evaluated: 2021-12-08. Review status: criteria provided, single submitter. Criteria: Sema4 Curation Guidelines. Collection method: curation. Allele origin: germline.

Genome-Nilou Lab
Classification: Benign for Tuberous sclerosis 2. Last evaluated: 2021-11-07. Review status: criteria provided, single submitter. Criteria: ACMG Guidelines, 2015. Collection method: clinical testing. Allele origin: germline. Affected: no.

Ambry Genetics
Classification: Likely benign for Hereditary cancer-predisposing syndrome. Last evaluated: 2017-03-24. Review status: criteria provided, single submitter. Criteria: Ambry Variant Classification Scheme 2023. Collection method: clinical testing. Allele origin: germline.